The following is an entry in ClinVar:

ClinVar aggregate classification (germline): Conflicting classifications of pathogenicity. Review status: criteria provided, conflicting classifications (1 of 4 stars). 3 submissions from 3 submitters: Uncertain significance (1); Benign (1); Likely benign (1). Last evaluated 2024-09-19.

Allele frequency attached by ClinVar (database versions not stated): gnomAD 0.00003 and 0.00004; TOPMed 0.00003; gnomAD exomes 0.00004 and 0.00008; ExAC 0.00008.
gnomAD v4.1: 62 of 1,607,974 alleles (0.0039%); highest among the groups gnomAD compares: Middle Eastern, 0.033%; no homozygotes.

Submissions (3):

Blueprint Genetics
Classification: Likely benign. Last evaluated: 2024-09-19. Review status: criteria provided, single submitter. Criteria: ACMG Guidelines, 2015. Collection method: clinical testing. Allele origin: germline.

Labcorp Genetics (formerly Invitae), Labcorp
Classification: Uncertain significance. Last evaluated: 2024-09-04. Review status: criteria provided, single submitter. Criteria: Invitae Variant Classification Sherloc (09022015). Collection method: clinical testing. Allele origin: germline.
Comment: This sequence change falls in intron 15 of the ITPR1 gene. It does not directly change the encoded amino acid sequence of the ITPR1 protein. It affects a nucleotide within the consensus splice site. This variant is present in population databases (rs781141738, gnomAD 0.01%). This variant has not been reported in the literature in individuals affected with ITPR1-related conditions. ClinVar contains an entry for this variant (Variation ID: 804930). Variants that disrupt the consensus splice site are a relatively common cause of aberrant splicing (PMID: 17576681, 9536098). Algorithms developed to predict the effect of sequence changes on RNA splicing suggest that this variant is not likely to affect RNA splicing. In summary, the available evidence is currently insufficient to determine the role of this variant in disease. Therefore, it has been classified as a Variant of Uncertain Significance.

Athena Diagnostics
Classification: Benign. Last evaluated: 2019-08-12. Review status: criteria provided, single submitter. Criteria: Athena Diagnostics Criteria. Collection method: clinical testing. Allele origin: germline.

Literature cited by the submitters: PubMed 17576681 (cited by Labcorp Genetics (formerly Invitae), Labcorp); PubMed 9536098 (cited by Labcorp Genetics (formerly Invitae), Labcorp).

NM_001378452.1(ITPR1):c.1554+3C>T

Gene: ITPR1 (inositol 1,4,5-trisphosphate receptor type 1; plus strand). Cytogenetic location: 3p26.1.
Variant type: single nucleotide variant.
Coding change: c.1554+3C>T on transcript NM_001378452.1 (MANE Select); 3 bases into the intron after coding-DNA position 1554, C replaced by T.
Molecular consequence: intron variant.
Genome position (GRCh38, 1-based): chr3:4,663,209, C>T. VCF-style: chr3-4663209-C-T. GRCh37 (hg19) VCF-style: chr3-4704893-C-T.
Other names: c.1554+3C>T (NM_001099952.4); c.1509+3C>T (NM_001168272.2, NM_002222.7).
Identifiers: ClinVar variation 804930 (VCV000804930.7), dbSNP rs781141738, ClinGen allele CA2231204.